The following is an entry in ClinVar:

NM_001009931.3(HRNR):c.6555C>T (p.Arg2185=)

Genes: CCDST (cervical cancer associated DHX9 suppressive transcript; plus strand), HRNR (hornerin; minus strand). Cytogenetic location: 1q21.3.
Variant type: single nucleotide variant.
Coding change: c.6555C>T on transcript NM_001009931.3 (MANE Select); coding-DNA position 6555, C replaced by T.
Protein change: p.Arg2185=; no amino-acid change (arginine 2185 retained).
Molecular consequence: synonymous variant.
Genome position (GRCh38, 1-based): chr1:152,215,074, G>A on the plus strand (C>T on the coding strand, the complement: HRNR is on the minus strand). VCF-style: chr1-152215074-G-A. GRCh37 (hg19) VCF-style: chr1-152187550-G-A.
Identifiers: ClinVar variation 3388416 (VCV003388416.14).

ClinVar aggregate classification (germline): Likely benign (1 of 4 stars; one submission).

Submission:

CeGaT Center for Human Genetics Tuebingen
Classification: Likely benign. Last evaluated: 2024-10-01. Review status: criteria provided, single submitter. Criteria: CeGaT Center For Human Genetics Tuebingen Variant Classification Criteria Version 2. Collection method: clinical testing. Allele origin: germline. Affected: yes. Observed: 1 variant allele.
Comment: HRNR: BP4, BP7